The following is an entry in ClinVar:

NM_199242.3(UNC13D):c.1018A>G (p.Thr340Ala)

Gene: UNC13D (unc-13 homolog D; minus strand). Cytogenetic location: 17q25.1.
Variant type: single nucleotide variant.
Coding change: c.1018A>G on transcript NM_199242.3 (MANE Select); coding-DNA position 1018, A replaced by G.
Protein change: p.Thr340Ala; replaces threonine 340 with alanine.
Molecular consequence: missense variant.
Genome position (GRCh38, 1-based): chr17:75,839,876, T>C on the plus strand (A>G on the coding strand, the complement: UNC13D is on the minus strand). VCF-style: chr17-75839876-T-C. GRCh37 (hg19) VCF-style: chr17-73835957-T-C.
Other names: short protein forms T340A.
Identifiers: ClinVar variation 1044994 (VCV001044994.6), dbSNP rs2064935031, ClinGen allele CA401106264.

ClinVar aggregate classification (germline): Uncertain significance (1 of 4 stars; one submission).

Conditions:
Familial hemophagocytic lymphohistiocytosis 3 (FHL3). Also called: UNC13D-Related Familial Hemophagocytic Lymphohistiocytosis (UNC13D-fHLH). Identifiers: Orphanet 540, MedGen C1837174, MONDO:0012146, OMIM 608898.

Allele frequency attached by ClinVar (database versions not stated): gnomAD 0.00001; TOPMed 0.00001.

Submission:

Labcorp Genetics (formerly Invitae), Labcorp
Classification: Uncertain significance for Familial hemophagocytic lymphohistiocytosis 3. Last evaluated: 2021-12-24. Review status: criteria provided, single submitter. Criteria: Invitae Variant Classification Sherloc (09022015). Collection method: clinical testing. Allele origin: germline.
Comment: This sequence change replaces threonine, which is neutral and polar, with alanine, which is neutral and non-polar, at codon 340 of the UNC13D protein (p.Thr340Ala). This variant is not present in population databases (gnomAD no frequency). This variant has not been reported in the literature in individuals affected with UNC13D-related conditions. ClinVar contains an entry for this variant (Variation ID: 1044994). Algorithms developed to predict the effect of missense changes on protein structure and function are either unavailable or do not agree on the potential impact of this missense change (SIFT: "Not Available"; PolyPhen-2: "Benign"; Align-GVGD: "Not Available"). In summary, the available evidence is currently insufficient to determine the role of this variant in disease. Therefore, it has been classified as a Variant of Uncertain Significance.